The following is an entry in ClinVar:

NM_000297.4(PKD2):c.2318A>G (p.His773Arg)

Gene: PKD2 (polycystin 2, transient receptor potential cation channel; plus strand). Cytogenetic location: 4q22.1.
Variant type: single nucleotide variant.
Coding change: c.2318A>G on transcript NM_000297.4 (MANE Select); coding-DNA position 2318, A replaced by G.
Protein change: p.His773Arg; replaces histidine 773 with arginine.
Molecular consequence: missense variant. On other transcripts: non-coding transcript variant (1).
Genome position (GRCh38, 1-based): chr4:88,065,839, A>G. VCF-style: chr4-88065839-A-G. GRCh37 (hg19) VCF-style: chr4-88986991-A-G.
Other names: short protein forms H773R.
Identifiers: ClinVar variation 1049779 (VCV001049779.8), dbSNP rs748554287, ClinGen allele CA3004205.
Genomic context (GRCh38, chr4:88,065,839, plus strand): 5'-CAGAGATTGAGGCAATATTCACAAAGTACGACCAAGATGGAGACCAAGAACTGACCGAAC[A>G]TGAACATCAGCAGATGAGAGACGACTTGGAGAAAGAGAGGGTGGGTCTGGTTTAGGAGAA-3'
Protein context (NP_000288.1, residues 763-783): DQDGDQELTE[His773Arg]EHQQMRDDLE

ClinVar aggregate classification (germline): Uncertain significance. Review status: criteria provided, multiple submitters, no conflicts (2 of 4 stars). 3 submissions from 3 submitters: Uncertain significance (2). 1 of the submissions does not count toward it. Last evaluated 2024-04-11.

Conditions:
Autosomal dominant polycystic kidney disease. Identifiers: Orphanet 730, MedGen C0085413, MONDO:0004691.
Polycystic kidney disease 2 (PKD2). Also called: POLYCYSTIC KIDNEY DISEASE 2 WITH OR WITHOUT POLYCYSTIC LIVER DISEASE; Polycystic Kidney Disease 2, Autosomal Dominant; POLYCYSTIC KIDNEY DISEASE, ADULT, TYPE II. Identifiers: MedGen C2751306, MONDO:0013131, OMIM 613095.

Allele frequency attached by ClinVar (database versions not stated): gnomAD exomes below 0.00001 and 0.00001; ExAC 0.00001; TOPMed 0.00001.
gnomAD v4.1: 19 of 1,613,534 alleles (0.0012%); highest among the groups gnomAD compares: Non-Finnish European, 0.0014%; no homozygotes.

Submissions (3):

Fulgent Genetics
Classification: Uncertain significance for Polycystic kidney disease 2. Last evaluated: 2024-04-11. Review status: criteria provided, single submitter. Criteria: ACMG Guidelines, 2015. Collection method: clinical testing. Allele origin: germline.

Labcorp Genetics (formerly Invitae), Labcorp
Classification: Uncertain significance for Autosomal dominant polycystic kidney disease. Last evaluated: 2022-08-28. Review status: criteria provided, single submitter. Criteria: Invitae Variant Classification Sherloc (09022015). Collection method: clinical testing. Allele origin: germline.
Comment: Algorithms developed to predict the effect of missense changes on protein structure and function output the following: SIFT: "Tolerated"; PolyPhen-2: "Benign"; Align-GVGD: "Class C0". The arginine amino acid residue is found in multiple mammalian species, which suggests that this missense change does not adversely affect protein function. This sequence change replaces histidine, which is basic and polar, with arginine, which is basic and polar, at codon 773 of the PKD2 protein (p.His773Arg). This variant is present in population databases (rs748554287, gnomAD 0.01%). This variant has not been reported in the literature in individuals affected with PKD2-related conditions. ClinVar contains an entry for this variant (Variation ID: 1049779). In summary, the available evidence is currently insufficient to determine the role of this variant in disease. Therefore, it has been classified as a Variant of Uncertain Significance.

Department of Pathology and Laboratory Medicine, Sinai Health System
Classification: Uncertain significance. Review status: no assertion criteria provided. Collection method: clinical testing. Allele origin: unknown. Affected: yes. Study: The Canadian Open Genetics Repository (COGR). Not counted in ClinVar's aggregate classification.
Comment: The PKD2 p.His773Arg variant was not identified in the literature nor was it identified in ClinVar, LOVD 3.0, ADPKD Mutation Database or PKD1-LOVD. The variant was identified in dbSNP (ID: rs748554287) and in control databases in 1 of 251296 chromosomes at a frequency of 0.000004 (Genome Aggregation Database Feb 27, 2017). The variant was observed in the Ashkenazi Jewish population in 1 of 10072 chromosomes (freq: 0.000099), but not in the African, Latino, East Asian, European (Finnish), European (non-Finnish), Other, and South Asian populations. The variant occurs outside of the splicing consensus sequence and in silico or computational prediction software programs (SpliceSiteFinder, MaxEntScan, NNSPLICE, GeneSplicer) do not predict a difference in splicing. The p.His773 residue is not conserved in mammals and four out of five computational analyses (PolyPhen-2, SIFT, AlignGVGD, BLOSUM) do not suggest a high likelihood of impact to the protein; however, this information is not predictive enough to rule out pathogenicity. In summary, based on the above information the clinical significance of this variant cannot be determined with certainty at this time. This variant is classified as a variant of uncertain significance.